The following is an entry in ClinVar:

NM_173477.5(USH1G):c.958A>G (p.Asn320Asp)

Gene: USH1G (USH1 protein network component sans; minus strand). Cytogenetic location: 17q25.1.
Variant type: single nucleotide variant.
Coding change: c.958A>G on transcript NM_173477.5 (MANE Select); coding-DNA position 958, A replaced by G.
Protein change: p.Asn320Asp; replaces asparagine 320 with aspartic acid.
Molecular consequence: missense variant.
Genome position (GRCh38, 1-based): chr17:74,919,878, T>C on the plus strand (A>G on the coding strand, the complement: USH1G is on the minus strand). VCF-style: chr17-74919878-T-C. GRCh37 (hg19) VCF-style: chr17-72915973-T-C.
Other names: c.649A>G, p.Asn217Asp (NM_001282489.3); short protein forms N217D, N320D.
Identifiers: ClinVar variation 970118 (VCV000970118.8), dbSNP rs768163520, ClinGen allele CA8753961.
Genomic context (GRCh38, chr17:74,919,878, plus strand): 5'-CCACCCCATCCAGACCCCCATCCTCGCGGCCCAGTCCGTGCAGCCCACTGCTCAAGTAAT[T>C]TCTGCGGAACACCATGGTGCCCAGGCCGGGGCGGGTAAACAGGGAGTCGTGGCCTGAGTC-3'
Protein context (NP_775748.2, residues 310-330): PGLGTMVFRR[Asn320Asp]YLSSGLHGLG

ClinVar aggregate classification (germline): Uncertain significance (1 of 4 stars; one submission).

Allele frequency attached by ClinVar (database versions not stated): gnomAD exomes below 0.00001; ExAC 0.00001; gnomAD 0.00001; TOPMed 0.00002.

Submission:

Labcorp Genetics (formerly Invitae), Labcorp
Classification: Uncertain significance. Last evaluated: 2023-05-08. Review status: criteria provided, single submitter. Criteria: Invitae Variant Classification Sherloc (09022015). Collection method: clinical testing. Allele origin: germline.
Comment: In summary, the available evidence is currently insufficient to determine the role of this variant in disease. Therefore, it has been classified as a Variant of Uncertain Significance. Advanced modeling of protein sequence and biophysical properties (such as structural, functional, and spatial information, amino acid conservation, physicochemical variation, residue mobility, and thermodynamic stability) has been performed at Invitae for this missense variant, however the output from this modeling did not meet the statistical confidence thresholds required to predict the impact of this variant on USH1G protein function. This sequence change replaces asparagine with aspartic acid at codon 320 of the USH1G protein (p.Asn320Asp). The asparagine residue is highly conserved and there is a small physicochemical difference between asparagine and aspartic acid. This variant is present in population databases (rs768163520, gnomAD 0.007%). This variant has not been reported in the literature in individuals affected with USH1G-related conditions. ClinVar contains an entry for this variant (Variation ID: 970118).